The following is an entry in ClinVar:

ClinVar aggregate classification (germline): Benign (0 of 4 stars; one submission).

Conditions:
IFT70B-related disorder. Also called: IFT70B-related condition.

Allele frequency attached by ClinVar (database versions not stated): ESP Exome Variant Server 0.85184; gnomAD exomes 0.85548; TOPMed 0.85582; 1000 Genomes Project 30x 0.88944; 1000 Genomes Project 0.89058.
gnomAD v4.1: 1,380,561 of 1,613,494 alleles (86%); highest among the groups gnomAD compares: East Asian, 98%; 591,479 homozygotes.

Submission:

PreventionGenetics, part of Exact Sciences
Classification: Benign for IFT70B-related condition. Last evaluated: 2023-01-26. Review status: no assertion criteria provided. Collection method: clinical testing. Allele origin: germline.
Comment: This variant is classified as benign based on ACMG/AMP sequence variant interpretation guidelines (Richards et al. 2015 PMID: 25741868, with internal and published modifications).

NM_152517.3(IFT70B):c.350G>A (p.Arg117His)

Gene: IFT70B (intraflagellar transport 70B; minus strand). Cytogenetic location: 2q31.2.
Variant type: single nucleotide variant.
Coding change: c.350G>A on transcript NM_152517.3 (MANE Select); coding-DNA position 350, G replaced by A.
Protein change: p.Arg117His; replaces arginine 117 with histidine.
Molecular consequence: missense variant.
Genome position (GRCh38, 1-based): chr2:177,552,414, C>T on the plus strand (G>A on the coding strand, the complement: IFT70B is on the minus strand). VCF-style: chr2-177552414-C-T. GRCh37 (hg19) VCF-style: chr2-178417142-C-T.
Other names: short protein forms R117H.
Identifiers: ClinVar variation 3059421 (VCV003059421.2), dbSNP rs11694988, ClinGen allele CA1980823.
Genomic context (GRCh38, chr2:177,552,414, plus strand): 5'-TCTACCAGGCTCCTGGACCCTGGCAGATCGCCCTCGCTGTACTTGATAGCAGCTTGCAGG[C>T]GGAGGACCCGGCTGTGGTAGGCGGGGTTATCCAGGAGAAGGAAGGCGACCCGGGTGGCCT-3'
Protein context (NP_689730.2, residues 107-127): DNPAYHSRVL[Arg117His]LQAAIKYSEG